The following is an entry in ClinVar:

ClinVar aggregate classification (germline): Uncertain significance (1 of 4 stars; one submission).

Conditions:
Neuropathy, hereditary sensory, type 1F. Also called: HSN IF; Hereditary sensory neuropathy type IF. Identifiers: Orphanet 36386, MedGen C3810194, MONDO:0014286, OMIM 615632.

Submission:

Labcorp Genetics (formerly Invitae), Labcorp
Classification: Uncertain significance for Neuropathy, hereditary sensory, type 1F. Last evaluated: 2023-07-14. Review status: criteria provided, single submitter. Criteria: Invitae Variant Classification Sherloc (09022015). Collection method: clinical testing. Allele origin: germline.
Comment: In summary, the available evidence is currently insufficient to determine the role of this variant in disease. Therefore, it has been classified as a Variant of Uncertain Significance. Advanced modeling of protein sequence and biophysical properties (such as structural, functional, and spatial information, amino acid conservation, physicochemical variation, residue mobility, and thermodynamic stability) performed at Invitae indicates that this missense variant is expected to disrupt ATL3 protein function. This variant has not been reported in the literature in individuals affected with ATL3-related conditions. This variant is not present in population databases (gnomAD no frequency). This sequence change replaces proline, which is neutral and non-polar, with glutamine, which is neutral and polar, at codon 268 of the ATL3 protein (p.Pro268Gln).

NM_015459.5(ATL3):c.803C>A (p.Pro268Gln)

Genes: ATL3 (atlastin GTPase 3; minus strand), LNCROPM (lncRNA regulator of PLAAT3 mediated phospholipid metabolism; plus strand). Cytogenetic location: 11q13.1.
Variant type: single nucleotide variant.
Coding change: c.803C>A on transcript NM_015459.5 (MANE Select); coding-DNA position 803, C replaced by A.
Protein change: p.Pro268Gln; replaces proline 268 with glutamine.
Molecular consequence: missense variant.
Genome position (GRCh38, 1-based): chr11:63,643,404, G>T on the plus strand (C>A on the coding strand, the complement: ATL3 is on the minus strand). VCF-style: chr11-63643404-G-T. GRCh37 (hg19) VCF-style: chr11-63410876-G-T.
Other names: c.749C>A, p.Pro250Gln (NM_001290048.2); short protein forms P268Q, P250Q.
Identifiers: ClinVar variation 2801528 (VCV002801528.3), dbSNP rs1238380950, ClinGen allele CA381024211.